The following is an entry in ClinVar:

ClinVar aggregate classification (germline): Pathogenic (1 of 4 stars; one submission).

Conditions:
Primary ciliary dyskinesia. Also called: Ciliary dyskinesia. Identifiers: Orphanet 244, MedGen C0008780, MONDO:0016575, HP:0012265.

gnomAD v4.1: 4 of 1,610,882 alleles (0.00025%); highest among the groups gnomAD compares: Admixed American, 0.0033%; no homozygotes.

Submission:

Labcorp Genetics (formerly Invitae), Labcorp
Classification: Pathogenic for Primary ciliary dyskinesia. Last evaluated: 2026-01-12. Review status: criteria provided, single submitter. Criteria: Invitae Variant Classification Sherloc (09022015). Collection method: clinical testing. Allele origin: germline.
Comment: This sequence change creates a premature translational stop signal (p.Arg465*) in the DNAAF5 gene. It is expected to result in an absent or disrupted protein product. Loss-of-function variants in DNAAF5 are known to be pathogenic (PMID: 24307375, 25232951). The frequency data for this variant in the population databases is considered unreliable, as metrics indicate poor data quality at this position in the gnomAD database. This variant has not been reported in the literature in individuals affected with DNAAF5-related conditions. For these reasons, this variant has been classified as Pathogenic.

Literature cited by the submitters: PubMed 24307375; PubMed 25232951.

NM_017802.4(DNAAF5):c.1393C>T (p.Arg465Ter)

Gene: DNAAF5 (dynein axonemal assembly factor 5; plus strand). Cytogenetic location: 7p22.3.
Variant type: single nucleotide variant.
Coding change: c.1393C>T on transcript NM_017802.4 (MANE Select); coding-DNA position 1393, C replaced by T.
Protein change: p.Arg465Ter; replaces arginine 465 with a stop codon.
Molecular consequence: nonsense. On other transcripts: non-coding transcript variant (1).
Genome position (GRCh38, 1-based): chr7:756,917, C>T. VCF-style: chr7-756917-C-T. GRCh37 (hg19) VCF-style: chr7-796554-C-T.
Other names: short protein forms R465*.
Identifiers: ClinVar variation 4738573 (VCV004738573.1).